The following is an entry in ClinVar:

NM_001384140.1(PCDH15):c.4116C>G (p.Tyr1372Ter)

Gene: PCDH15 (protocadherin related 15; minus strand). Cytogenetic location: 10q21.1.
Variant type: single nucleotide variant.
Coding change: c.4116C>G on transcript NM_001384140.1 (MANE Select); coding-DNA position 4116, C replaced by G.
Protein change: p.Tyr1372Ter; replaces tyrosine 1372 with a stop codon.
Molecular consequence: nonsense.
Genome position (GRCh38, 1-based): chr10:53,831,401, G>C on the plus strand (C>G on the coding strand, the complement: PCDH15 is on the minus strand). VCF-style: chr10-53831401-G-C. GRCh37 (hg19) VCF-style: chr10-55591161-G-C.
Other names: c.4131C>G, p.Tyr1377Ter (NM_001142763.2, NM_001142771.2); c.4116C>G, p.Tyr1372Ter (NM_001142764.2, NM_001142766.2, NM_001142770.3 and 4 more transcripts); c.3903C>G, p.Tyr1301Ter (NM_001142765.2); c.4005C>G, p.Tyr1335Ter (NM_001142767.2); c.4050C>G, p.Tyr1350Ter (NM_001142768.2, NM_001142773.2, NM_001354404.2); c.4152C>G, p.Tyr1384Ter (NM_001142769.4); c.4137C>G, p.Tyr1379Ter (NM_001354411.2); short protein forms Y1335*, Y1350*, Y1372*, Y1377*, Y1379*, Y1384*, Y1301*.
Identifiers: ClinVar variation 5015066 (VCV005015066.1).

ClinVar aggregate classification (germline): Pathogenic (1 of 4 stars; one submission).

Conditions:
Usher syndrome type 1F (USH1F). Also called: USHER SYNDROME, TYPE IF. Identifiers: Orphanet 231169, Orphanet 886, MedGen C1865885, MONDO:0011186, OMIM 602083.

Submission:

Myriad Genetics, Inc.
Classification: Pathogenic for Usher syndrome type 1F. Last evaluated: 2025-10-08. Review status: criteria provided, single submitter. Criteria: Myriad Autosomal Dominant, Autosomal Recessive and X-Linked Classification Criteria (2023). Collection method: clinical testing. Allele origin: unknown.
Comment: NM_033056.3(PCDH15):c.4116C>G(Y1372*) is expected to be pathogenic in the context of PCDH15-related disorders. This variant is predicted to lead to an abnormal or absent protein product due to the creation of a premature termination codon in PCDH15, a gene where loss-of-function variants are known to be pathogenic. Please note: this variant was assessed in the context of healthy population screening.